The following is an entry in ClinVar:

ClinVar aggregate classification (germline): Pathogenic. Review status: criteria provided, multiple submitters, no conflicts (2 of 4 stars). 2 submissions from 2 submitters: Pathogenic (2). Last evaluated 2026-03-30.

Conditions:
Hereditary cancer-predisposing syndrome. Also called: Hereditary Cancer Syndrome; Hereditary neoplastic syndrome; Neoplastic Syndromes, Hereditary; Tumor predisposition. Identifiers: Orphanet 140162, MedGen C0027672, MeSH D009386, MONDO:0015356.
Hereditary breast ovarian cancer syndrome. Also called: BRCA1- and BRCA2-Associated Hereditary Breast and Ovarian Cancer; Hereditary breast and ovarian cancer syndrome; Hereditary breast and ovarian cancer syndrome (HBOC); Hereditary breast and ovarian cancer; Breast and ovarian cancer; Hereditary breast and/or ovarian cancer syndrome. Identifiers: Orphanet 145, MedGen C0677776, MeSH D061325, MONDO:0003582. Disease mechanism: loss of function.

Submissions (2):

Ambry Genetics
Classification: Pathogenic for Hereditary cancer-predisposing syndrome. Last evaluated: 2026-03-30. Review status: criteria provided, single submitter. Criteria: Ambry Variant Classification Scheme 2023. Collection method: clinical testing. Allele origin: germline.
Comment: The c.2329_2339delTATGGCACTCA pathogenic mutation, located in coding exon 9 of the BRCA1 gene, results from a deletion of 11 nucleotides at nucleotide positions 2329 to 2339, causing a translational frameshift with a predicted alternate stop codon (p.Y777Gfs*9). This variant is considered to be rare based on population cohorts in the Genome Aggregation Database (gnomAD). This alteration is expected to result in loss of function by premature protein truncation or nonsense-mediated mRNA decay. As such, this alteration is interpreted as a disease-causing mutation.

Labcorp Genetics (formerly Invitae), Labcorp
Classification: Pathogenic for Hereditary breast ovarian cancer syndrome. Last evaluated: 2024-12-17. Review status: criteria provided, single submitter. Criteria: Invitae Variant Classification Sherloc (09022015). Collection method: clinical testing. Allele origin: germline.
Comment: This sequence change creates a premature translational stop signal (p.Tyr777Glyfs*9) in the BRCA1 gene. It is expected to result in an absent or disrupted protein product. Loss-of-function variants in BRCA1 are known to be pathogenic (PMID: 20104584). This variant is not present in population databases (gnomAD no frequency). This variant has not been reported in the literature in individuals affected with BRCA1-related conditions. For these reasons, this variant has been classified as Pathogenic.

Literature cited by the submitters: PubMed 20104584 (cited by Labcorp Genetics (formerly Invitae), Labcorp).

NM_007294.4(BRCA1):c.2329_2339del (p.Tyr777fs)

Gene: BRCA1 (BRCA1 DNA repair associated; minus strand). Cytogenetic location: 17q21.31.
Variant type: Deletion.
Coding change: c.2329_2339del on transcript NM_007294.4 (MANE Select); coding-DNA positions 2329 to 2339, 11 bases deleted (TATGGCACTCA).
Protein change: p.Tyr777fs; shifts the reading frame from tyrosine 777.
Molecular consequence: frameshift variant. On other transcripts: intron variant (137).
Genome position (GRCh38, 1-based): chr17:43,093,192-43,093,202, TGAGTGCCATA deleted on the plus strand (TATGGCACTCA on the coding strand, the reverse complement: BRCA1 is on the minus strand). VCF-style (leftmost placement, unchanged base first): chr17-43093191-CTGAGTGCCATA-C. GRCh37 (hg19) VCF-style: chr17-41245208-CTGAGTGCCATA-C.
Other names: c.2185_2195del, p.Tyr729fs (NM_001407838.1, NM_001407839.1, NM_001407943.1 and 20 more transcripts); c.664+1542_664+1552del (NM_001408439.1, NM_001408425.1, NM_001408440.1 and 12 more transcripts); c.671-2170_671-2160del (NM_001408419.1, NM_001408422.1, NM_001408418.1 and 2 more transcripts); c.787+1542_787+1552del (NM_001408403.1, NM_001407983.1, NM_001407975.1 and 17 more transcripts); c.790+1539_790+1549del (NM_001408406.1); c.646+1542_646+1552del (NM_001408456.1, NM_001408410.1, NM_001408458.1 and 11 more transcripts); c.643+1542_643+1552del (NM_001408465.1, NM_001408463.1, NM_001408462.1 and 3 more transcripts); c.577+1542_577+1552del (NM_001408482.1, NM_001408484.1, NM_001408478.1 and 9 more transcripts); and 41 more; short protein forms Y688fs, Y706fs, Y707fs, Y736fs, Y774fs, Y776fs, Y481fs, Y649fs.
Identifiers: ClinVar variation 3722357 (VCV003722357.3).